The following is an entry in ClinVar:

ClinVar aggregate classification (germline): Likely pathogenic (1 of 4 stars; one submission).

Submission:

GeneDx
Classification: Likely pathogenic. Last evaluated: 2024-05-19. Review status: criteria provided, single submitter. Criteria: GeneDx Variant Classification Process June 2021. Collection method: clinical testing. Allele origin: germline. Affected: yes.
Comment: Not observed at significant frequency in large population cohorts (gnomAD); In silico analysis, which includes protein predictors and evolutionary conservation, supports a deleterious effect; Has not been previously published as pathogenic or benign to our knowledge

NM_001379403.1(WDR26):c.944T>G (p.Leu315Arg)

Gene: WDR26 (WD repeat domain 26; minus strand). Cytogenetic location: 1q42.12.
Variant type: single nucleotide variant.
Coding change: c.944T>G on transcript NM_001379403.1 (MANE Select); coding-DNA position 944, T replaced by G.
Protein change: p.Leu315Arg; replaces leucine 315 with arginine.
Molecular consequence: missense variant.
Genome position (GRCh38, 1-based): chr1:224,424,638, A>C on the plus strand (T>G on the coding strand, the complement: WDR26 is on the minus strand). VCF-style: chr1-224424638-A-C. GRCh37 (hg19) VCF-style: chr1-224612340-A-C.
Other names: c.596T>G, p.Leu199Arg (NM_001115113.3); c.644T>G, p.Leu215Arg (NM_025160.7); short protein forms L199R, L215R, L315R.
Identifiers: ClinVar variation 3381386 (VCV003381386.1).
Genomic context (GRCh38, chr1:224,424,638, plus strand): 5'-ACTTGAAGTGCCTCCAGGACCTTGCCATCCTCCAGGTATTCTAGGTACTTCTGCTGCAGC[A>C]GCAAAAACTTCATCCTCTGACATGACAGAAAGCAGCAGTCAGGGGAAAAAAGTTGATGGA-3'
Protein context (NP_001366332.1, residues 305-325): LGIIVRMKFL[Leu315Arg]LQQKYLEYLE